The following is an entry in ClinVar:

ClinVar aggregate classification (germline): Uncertain significance (1 of 4 stars; one submission).

Submission:

CeGaT Center for Human Genetics Tuebingen
Classification: Uncertain significance. Last evaluated: 2023-05-01. Review status: criteria provided, single submitter. Criteria: CeGaT Center For Human Genetics Tuebingen Variant Classification Criteria Version 2. Collection method: clinical testing. Allele origin: germline. Affected: yes. Observed: 1 variant allele.
Comment: SHANK3: PM2, PP2

NM_001372044.2(SHANK3):c.1052T>G (p.Met351Arg)

Gene: SHANK3 (SH3 and multiple ankyrin repeat domains 3; plus strand). Cytogenetic location: 22q13.33.
Variant type: single nucleotide variant.
Coding change: c.1052T>G on transcript NM_001372044.2 (MANE Select); coding-DNA position 1052, T replaced by G.
Protein change: p.Met351Arg; replaces methionine 351 with arginine.
Molecular consequence: missense variant.
Genome position (GRCh38, 1-based): chr22:50,679,370, T>G. VCF-style: chr22-50679370-T-G. GRCh37 (hg19) VCF-style: chr22-51117798-T-G.
Other names: c.827T>G, p.Met276Arg (NM_033517.1); short protein forms M276R, M351R.
Identifiers: ClinVar variation 2571165 (VCV002571165.27), dbSNP rs748945187, ClinGen allele CA515254476.